The following is an entry in ClinVar:

ClinVar aggregate classification (germline): Uncertain significance (1 of 4 stars; one submission).

Submission:

GeneDx
Classification: Uncertain significance. Last evaluated: 2022-12-06. Review status: criteria provided, single submitter. Criteria: GeneDx Variant Classification Process June 2021. Collection method: clinical testing. Allele origin: germline. Affected: yes.
Comment: Not observed at significant frequency in large population cohorts (gnomAD); In silico analysis, which includes protein predictors and evolutionary conservation, supports that this variant does not alter protein structure/function; Has not been previously published as pathogenic or benign to our knowledge

NM_001139.3(ALOX12B):c.347C>A (p.Ala116Asp)

Gene: ALOX12B (arachidonate 12-lipoxygenase, 12R type; minus strand). Cytogenetic location: 17p13.1.
Variant type: single nucleotide variant.
Coding change: c.347C>A on transcript NM_001139.3 (MANE Select); coding-DNA position 347, C replaced by A.
Protein change: p.Ala116Asp; replaces alanine 116 with aspartic acid.
Molecular consequence: missense variant.
Genome position (GRCh38, 1-based): chr17:8,086,021, G>T on the plus strand (C>A on the coding strand, the complement: ALOX12B is on the minus strand). VCF-style: chr17-8086021-G-T. GRCh37 (hg19) VCF-style: chr17-7989339-G-T.
Other names: short protein forms A116D.
Identifiers: ClinVar variation 1806761 (VCV001806761.1), dbSNP rs2507706977, ClinGen allele CA397998818.
Genomic context (GRCh38, chr17:8,086,021, plus strand): 5'-GGCTGGAGCTAGAGGCCTCACGGCCATAGGATGGAGCAGGGTGATGAGGGCTTACCTGTG[G>T]CCTCCCGGAGTGCCAGGGTCTCGTAGCCATCCATCCACTGGTAGGCGGGGAAGTGGTAGA-3'
Protein context (NP_001130.1, residues 106-126): DGYETLALRE[Ala116Asp]TGKTTADDSL